The following is an entry in ClinVar:

NM_001278116.2(L1CAM):c.1993C>G (p.Leu665Val)

Gene: L1CAM (L1 cell adhesion molecule; minus strand). Cytogenetic location: Xq28.
Variant type: single nucleotide variant.
Coding change: c.1993C>G on transcript NM_001278116.2 (MANE Select); coding-DNA position 1993, C replaced by G.
Protein change: p.Leu665Val; replaces leucine 665 with valine.
Molecular consequence: missense variant.
Genome position (GRCh38, 1-based): chrX:153,867,500, G>C on the plus strand (C>G on the coding strand, the complement: L1CAM is on the minus strand). VCF-style: chrX-153867500-G-C. GRCh37 (hg19) VCF-style: chrX-153132955-G-C.
Other names: c.1993C>G, p.Leu665Val (NM_000425.5, NM_024003.3); c.1978C>G, p.Leu660Val (NM_001143963.2); c.1993C>G (NM_000425.4); short protein forms L665V, L660V.
Identifiers: ClinVar variation 194597 (VCV000194597.57), dbSNP rs199592861, ClinGen allele CA240650.
Genomic context (GRCh38, chrX:153,867,500, plus strand): 5'-AGTGGACATAGGGCGACAGCTTGAGGGTGGTAGAGGTCTGGTTCCCTGGAACCTTGCCCA[G>C]ACTGTACCATTTTTCAGGCGCCATTTCCTTGTCCTCAAATTCAATGTCATATTCTGCCAA-3'
Protein context (NP_001265045.1, residues 655-675): KEMAPEKWYS[Leu665Val]GKVPGNQTST

ClinVar aggregate classification (germline): Conflicting classifications of pathogenicity. Review status: criteria provided, conflicting classifications (1 of 4 stars). 6 submissions from 6 submitters: Uncertain significance (2); Benign (2); Likely benign (2). Last evaluated 2026-01-21.

Conditions:
L1CAM-related disorder. Also called: L1CAM-related condition.
Inborn genetic diseases. Identifiers: MedGen C0950123, MeSH D030342.
Spastic paraplegia. Identifiers: MedGen C0037772, HP:0001258.

Allele frequency attached by ClinVar (database versions not stated): gnomAD 0.00009 and 0.00010; gnomAD exomes 0.00025 and 0.00031; ExAC 0.00028; TOPMed 0.00008.
gnomAD v4.1: 349 of 1,209,773 alleles (0.029%); highest among the groups gnomAD compares: South Asian, 0.046%; no homozygotes.

Submissions (6):

Labcorp Genetics (formerly Invitae), Labcorp
Classification: Benign for Spastic paraplegia. Last evaluated: 2026-01-21. Review status: criteria provided, single submitter. Criteria: Invitae Variant Classification Sherloc (09022015). Collection method: clinical testing. Allele origin: germline.

PreventionGenetics, part of Exact Sciences
Classification: Likely benign for L1CAM-related condition. Last evaluated: 2025-07-02. Review status: criteria provided, single submitter. Criteria: ACMG Guidelines, 2015. Collection method: clinical testing. Allele origin: germline.
Comment: This variant is classified as likely benign based on ACMG/AMP sequence variant interpretation guidelines (Richards et al. 2015 PMID: 25741868, with internal and published modifications).

Ambry Genetics
Classification: Benign for Inborn genetic diseases. Last evaluated: 2018-02-16. Review status: criteria provided, single submitter. Criteria: Ambry Variant Classification Scheme 2023. Collection method: clinical testing. Allele origin: germline.

CeGaT Center for Human Genetics Tuebingen
Classification: Uncertain significance. Last evaluated: 2016-08-01. Review status: criteria provided, single submitter. Criteria: CeGaT Center For Human Genetics Tuebingen Variant Classification Criteria Version 2. Collection method: clinical testing. Allele origin: germline. Affected: yes. Observed: 1 variant allele.

GeneDx
Classification: Likely benign. Last evaluated: 2015-03-16. Review status: criteria provided, single submitter. Criteria: GeneDx Variant Classification (06012015). Collection method: clinical testing. Allele origin: germline. Affected: yes.
Comment: This variant is considered likely benign or benign based on one or more of the following criteria: it is a conservative change, it occurs at a poorly conserved position in the protein, it is predicted to be benign by multiple in silico algorithms, and/or has population frequency not consistent with disease.

Eurofins Ntd Llc (ga)
Classification: Uncertain significance. Last evaluated: 2014-06-11. Review status: criteria provided, single submitter. Criteria: EGL Classification Definitions 2015. Collection method: clinical testing. Allele origin: germline. Observed: 1 variant allele, 1 heterozygote.